The following is an entry in ClinVar:

ClinVar aggregate classification (germline): Uncertain significance (1 of 4 stars; one submission).

Conditions:
Cardiovascular phenotype. Identifiers: MedGen CN230736.
Hereditary cancer-predisposing syndrome. Also called: Neoplastic Syndromes, Hereditary; Tumor predisposition; Hereditary neoplastic syndrome; Hereditary Cancer Syndrome. Identifiers: Orphanet 140162, MedGen C0027672, MeSH D009386, MONDO:0015356.

gnomAD v4.1: 2 of 1,603,714 alleles (0.00012%); highest among the groups gnomAD compares: African/African-American, 0.0013%; no homozygotes.

Submission:

Ambry Genetics
Classification: Uncertain significance for Cardiovascular phenotype; Hereditary cancer-predisposing syndrome. Last evaluated: 2026-06-17. Review status: criteria provided, single submitter. Criteria: Ambry Variant Classification Scheme 2023. Collection method: clinical testing. Allele origin: germline.
Comment: The p.Q239H variant (also known as c.717G>C), located in coding exon 7 of the NF1 gene, results from a G to C substitution at nucleotide position 717. The glutamine at codon 239 is replaced by histidine, an amino acid with highly similar properties. This amino acid position is highly conserved in available vertebrate species. In addition, the in silico prediction for this alteration is inconclusive. Based on the available evidence, the clinical significance of this variant remains unclear.

NM_001042492.3(NF1):c.717G>C (p.Gln239His)

Gene: NF1 (neurofibromin 1; plus strand). Cytogenetic location: 17q11.2.
Variant type: single nucleotide variant.
Coding change: c.717G>C on transcript NM_001042492.3 (MANE Select); coding-DNA position 717, G replaced by C.
Protein change: p.Gln239His; replaces glutamine 239 with histidine.
Molecular consequence: missense variant.
Genome position (GRCh38, 1-based): chr17:31,181,772, G>C. VCF-style: chr17-31181772-G-C. GRCh37 (hg19) VCF-style: chr17-29508790-G-C.
Other names: c.717G>C, p.Gln239His (NM_000267.4, NM_001128147.3); short protein forms Q239H.
Identifiers: ClinVar variation 5025510 (VCV005025510.1).